The following is an entry in ClinVar:

NM_005857.5(ZMPSTE24):c.1381C>T (p.Pro461Ser)

Gene: ZMPSTE24 (zinc metallopeptidase STE24; plus strand). Cytogenetic location: 1p34.2.
Variant type: single nucleotide variant.
Coding change: c.1381C>T on transcript NM_005857.5 (MANE Select); coding-DNA position 1381, C replaced by T.
Protein change: p.Pro461Ser; replaces proline 461 with serine.
Molecular consequence: missense variant.
Genome position (GRCh38, 1-based): chr1:40,292,622, C>T. VCF-style: chr1-40292622-C-T. GRCh37 (hg19) VCF-style: chr1-40758294-C-T.
Other names: short protein forms P461S.
Identifiers: ClinVar variation 1979677 (VCV001979677.5), dbSNP rs759608939, ClinGen allele CA791220.

ClinVar aggregate classification (germline): Uncertain significance. Review status: criteria provided, multiple submitters, no conflicts (2 of 4 stars). 2 submissions from 2 submitters: Uncertain significance (2). Last evaluated 2025-12-17.

Conditions:
Inborn genetic diseases. Identifiers: MedGen C0950123, MeSH D030342.

Allele frequency attached by ClinVar (database versions not stated): TOPMed below 0.00001; gnomAD exomes 0.00002; ExAC 0.00007.
gnomAD v4.1: 29 of 1,614,122 alleles (0.0018%); highest among the groups gnomAD compares: South Asian, 0.032%; 1 homozygote.

Submissions (2):

Ambry Genetics
Classification: Uncertain significance for Inborn genetic diseases. Last evaluated: 2025-12-17. Review status: criteria provided, single submitter. Criteria: Ambry Variant Classification Scheme 2023. Collection method: clinical testing. Allele origin: germline.

Labcorp Genetics (formerly Invitae), Labcorp
Classification: Uncertain significance. Last evaluated: 2024-01-08. Review status: criteria provided, single submitter. Criteria: Invitae Variant Classification Sherloc (09022015). Collection method: clinical testing. Allele origin: germline.
Comment: This sequence change replaces proline, which is neutral and non-polar, with serine, which is neutral and polar, at codon 461 of the ZMPSTE24 protein (p.Pro461Ser). This variant is present in population databases (rs759608939, gnomAD 0.05%), including at least one homozygous and/or hemizygous individual. This variant has not been reported in the literature in individuals affected with ZMPSTE24-related conditions. ClinVar contains an entry for this variant (Variation ID: 1979677). Advanced modeling of protein sequence and biophysical properties (such as structural, functional, and spatial information, amino acid conservation, physicochemical variation, residue mobility, and thermodynamic stability) performed at Invitae indicates that this missense variant is not expected to disrupt ZMPSTE24 protein function with a negative predictive value of 80%. In summary, the available evidence is currently insufficient to determine the role of this variant in disease. Therefore, it has been classified as a Variant of Uncertain Significance.